The following is an entry in ClinVar:

ClinVar aggregate classification (germline): Likely benign. Review status: criteria provided, multiple submitters, no conflicts (2 of 4 stars). 2 submissions from 2 submitters: Likely benign (2). Last evaluated 2025-04-09.

Allele frequency attached by ClinVar (database versions not stated): TOPMed below 0.00001; gnomAD exomes 0.00002 and 0.00004; ExAC 0.00004.
gnomAD v4.1: 31 of 1,613,896 alleles (0.0019%); highest among the groups gnomAD compares: South Asian, 0.014%; no homozygotes.

Submissions (2):

Labcorp Genetics (formerly Invitae), Labcorp
Classification: Likely benign. Last evaluated: 2025-04-09. Review status: criteria provided, single submitter. Criteria: Invitae Variant Classification Sherloc (09022015). Collection method: clinical testing. Allele origin: germline.

CeGaT Center for Human Genetics Tuebingen
Classification: Likely benign. Last evaluated: 2023-11-01. Review status: criteria provided, single submitter. Criteria: CeGaT Center For Human Genetics Tuebingen Variant Classification Criteria Version 2. Collection method: clinical testing. Allele origin: germline. Affected: yes. Observed: 1 variant allele.
Comment: ADCY5: BP7

NM_183357.3(ADCY5):c.1935C>T (p.Cys645=)

Gene: ADCY5 (adenylate cyclase 5; minus strand). Cytogenetic location: 3q21.1.
Variant type: single nucleotide variant.
Coding change: c.1935C>T on transcript NM_183357.3 (MANE Select); coding-DNA position 1935, C replaced by T.
Protein change: p.Cys645=; no amino-acid change (cysteine 645 retained).
Molecular consequence: synonymous variant.
Genome position (GRCh38, 1-based): chr3:123,327,630, G>A on the plus strand (C>T on the coding strand, the complement: ADCY5 is on the minus strand). VCF-style: chr3-123327630-G-A. GRCh37 (hg19) VCF-style: chr3-123046477-G-A.
Other names: c.885C>T, p.Cys295= (NM_001199642.1); c.1935C>T, p.Cys645= (NM_001378259.1).
Identifiers: ClinVar variation 1644048 (VCV001644048.31), dbSNP rs758031427, ClinGen allele CA2577327.
Genomic context (GRCh38, chr3:123,327,630, plus strand): 5'-CCCTGGAGGAAGGGAGCCCCTCAGCCCCCCGGCCCCCAGCCCACAGACCCGCTTCTGGGT[G>A]CAGCGCAGGATGAGGAAGGTCTCGATACTGTGCTCCTTGAGGTAGGCGTTGCGCTCGCCC-3'
Protein context (NP_899200.1, residues 635-655): HSIETFLILR[Cys645=]TQKRKEEKAM